The following is an entry in ClinVar:

NM_080680.3(COL11A2):c.1019C>A (p.Pro340His)

Gene: COL11A2 (collagen type XI alpha 2 chain; minus strand). Cytogenetic location: 6p21.32.
Variant type: single nucleotide variant.
Coding change: c.1019C>A on transcript NM_080680.3 (MANE Select); coding-DNA position 1019, C replaced by A.
Protein change: p.Pro340His; replaces proline 340 with histidine.
Molecular consequence: missense variant. On other transcripts: intron variant (2).
Genome position (GRCh38, 1-based): chr6:33,184,245, G>T on the plus strand (C>A on the coding strand, the complement: COL11A2 is on the minus strand). VCF-style: chr6-33184245-G-T. GRCh37 (hg19) VCF-style: chr6-33152022-G-T.
Other names: c.798+2382C>A (NM_080679.3); c.861+747C>A (NM_080681.3); short protein forms P340H.
Identifiers: ClinVar variation 1446935 (VCV001446935.8), dbSNP rs760905455, ClinGen allele CA3751491.

ClinVar aggregate classification (germline): Uncertain significance (1 of 4 stars; one submission).

Allele frequency attached by ClinVar (database versions not stated): ExAC 0.00001; gnomAD exomes 0.00001.

Submission:

Labcorp Genetics (formerly Invitae), Labcorp
Classification: Uncertain significance. Last evaluated: 2021-07-24. Review status: criteria provided, single submitter. Criteria: Invitae Variant Classification Sherloc (09022015). Collection method: clinical testing. Allele origin: germline.
Comment: Advanced modeling of protein sequence and biophysical properties (such as structural, functional, and spatial information, amino acid conservation, physicochemical variation, residue mobility, and thermodynamic stability) performed at Invitae indicates that this missense variant is not expected to disrupt COL11A2 protein function. In summary, the available evidence is currently insufficient to determine the role of this variant in disease. Therefore, it has been classified as a Variant of Uncertain Significance. This variant has not been reported in the literature in individuals affected with COL11A2-related conditions. This variant is present in population databases (rs760905455, ExAC 0.006%). This sequence change replaces proline with histidine at codon 340 of the COL11A2 protein (p.Pro340His). The proline residue is moderately conserved and there is a moderate physicochemical difference between proline and histidine.